The following is an entry in ClinVar:

NM_001458.5(FLNC):c.2265+1G>A

Gene: FLNC (filamin C; plus strand). Cytogenetic location: 7q32.1.
Variant type: single nucleotide variant.
Coding change: c.2265+1G>A on transcript NM_001458.5 (MANE Select); the canonical splice donor site of the intron after coding-DNA position 2265, G replaced by A.
Molecular consequence: splice donor variant.
Genome position (GRCh38, 1-based): chr7:128,842,375, G>A. VCF-style: chr7-128842375-G-A. GRCh37 (hg19) VCF-style: chr7-128482429-G-A.
Other names: c.2265+1G>A (NM_001127487.2).
Identifiers: ClinVar variation 642799 (VCV000642799.10), dbSNP rs1585157354, ClinGen allele CA369229751.

ClinVar aggregate classification (germline): Conflicting classifications of pathogenicity. Review status: criteria provided, conflicting classifications (1 of 4 stars). 3 submissions from 3 submitters: Likely pathogenic (2); Uncertain significance (1). Last evaluated 2025-07-11.

Conditions:
Myofibrillar myopathy 5. Also called: Filaminopathy (type); FILAMINOPATHY, AUTOSOMAL DOMINANT. Identifiers: Orphanet 171445, MedGen C1836050, MONDO:0012289, OMIM 609524.
Distal myopathy with posterior leg and anterior hand involvement. Also called: WILLIAMS DISTAL MYOPATHY. Identifiers: Orphanet 63273, MedGen C3279722, MONDO:0013550, OMIM 614065.
Hypertrophic cardiomyopathy 26. Also called: Cardiomyopathy, familial hypertrophic, 26. Identifiers: Orphanet 75249, MedGen C4310749, MONDO:0014883, OMIM 617047.
Cardiovascular phenotype. Identifiers: MedGen CN230736.

Submissions (4):

Ambry Genetics
Classification: Uncertain significance for Cardiovascular phenotype. Last evaluated: 2025-07-11. Review status: criteria provided, single submitter. Criteria: Ambry Variant Classification Scheme 2023. Collection method: clinical testing. Allele origin: germline.
Comment: The c.2265+1G>A intronic variant results from a G to A substitution one nucleotide after coding exon 14 of the FLNC gene. This variant was reported in individual(s) with features consistent with dilated cardiomyopathy (Ambry internal data). Alterations that disrupt the canonical splice site are expected to result in aberrant splicing. In silico splice site analysis predicts that this alteration will weaken the native splice donor site. A resulting transcript is predicted to be in-frame and is not expected to trigger nonsense-mediated mRNAdecay; although, direct evidence is unavailable. This nucleotide position is highly conserved in available vertebrate species. Based on the available evidence, the clinical significance of this variant remains unclear.

GeneDx
Classification: Likely pathogenic. Last evaluated: 2025-02-25. Review status: criteria provided, single submitter. Criteria: GeneDx Variant Classification Process June 2021. Collection method: clinical testing. Allele origin: germline. Affected: yes.
Comment: Has not been previously published as pathogenic or benign in association with an FLNC-related disorder to our knowledge; Not observed at significant frequency in large population cohorts (gnomAD); Canonical splice site variant predicted to result in an in-frame loss of the adjacent exon in a gene for which loss of function is a known mechanism of disease; This variant is associated with the following publications: (PMID: 35699965)

Labcorp Genetics (formerly Invitae), Labcorp
Classification: Likely pathogenic for Distal myopathy with posterior leg and anterior hand involvement; Myofibrillar myopathy 5; Hypertrophic cardiomyopathy 26. Last evaluated: 2024-05-17. Review status: criteria provided, single submitter. Criteria: Invitae Variant Classification Sherloc (09022015). Collection method: clinical testing. Allele origin: germline.
Comment: This sequence change affects a donor splice site in intron 14 of the FLNC gene. It is expected to disrupt RNA splicing. Variants that disrupt the donor or acceptor splice site typically lead to a loss of protein function (PMID: 16199547), and loss-of-function variants in FLNC are known to be pathogenic (PMID: 27908349). This variant is not present in population databases (gnomAD no frequency). This variant has not been reported in the literature in individuals affected with FLNC-related conditions. ClinVar contains an entry for this variant (Variation ID: 642799). Algorithms developed to predict the effect of sequence changes on RNA splicing suggest that this variant may disrupt the consensus splice site. In summary, the currently available evidence indicates that the variant is pathogenic, but additional data are needed to prove that conclusively. Therefore, this variant has been classified as Likely Pathogenic.

Dr. Peter K. Rogan Lab, Western University
No classification provided (evidence only). Condition: Gastric cancer. Review status: no classification provided. Collection method: in vitro. Allele origin: not applicable. Functional consequence: retained intron. Not counted in ClinVar's aggregate classification.

Literature cited by the submitters: PubMed 16199547 (cited by Labcorp Genetics (formerly Invitae), Labcorp); PubMed 27908349 (cited by Labcorp Genetics (formerly Invitae), Labcorp).